The following is an entry in ClinVar:

ClinVar aggregate classification (germline): Likely benign. Review status: criteria provided, multiple submitters, no conflicts (2 of 4 stars). 2 submissions from 2 submitters: Likely benign (2). Last evaluated 2026-03-01.

Allele frequency attached by ClinVar (database versions not stated): ExAC 0.00046; TOPMed 0.00057; gnomAD 0.00066; 1000 Genomes Project 0.00080; 1000 Genomes Project 30x 0.00094.

Submissions (2):

CeGaT Center for Human Genetics Tuebingen
Classification: Likely benign. Last evaluated: 2026-03-01. Review status: criteria provided, single submitter. Criteria: CeGaT Center For Human Genetics Tuebingen Variant Classification Criteria Version 2. Collection method: clinical testing. Allele origin: germline. Affected: yes. Observed: 2 variant alleles.
Comment: CLCNKB: BP4, BP7

Labcorp Genetics (formerly Invitae), Labcorp
Classification: Likely benign. Last evaluated: 2024-10-23. Review status: criteria provided, single submitter. Criteria: Invitae Variant Classification Sherloc (09022015). Collection method: clinical testing. Allele origin: germline.

NM_000085.5(CLCNKB):c.1632C>T (p.Arg544=)

Genes: CLCNKB (chloride voltage-gated channel Kb; plus strand), LOC106501713 (CLCNKB recombination region; plus strand). Cytogenetic location: 1p36.13.
Variant type: single nucleotide variant.
Coding change: c.1632C>T on transcript NM_000085.5 (MANE Select); coding-DNA position 1632, C replaced by T.
Protein change: p.Arg544=; no amino-acid change (arginine 544 retained).
Molecular consequence: synonymous variant.
Genome position (GRCh38, 1-based): chr1:16,053,648, C>T. VCF-style: chr1-16053648-C-T. GRCh37 (hg19) VCF-style: chr1-16380143-C-T.
Other names: c.1125C>T, p.Arg375= (NM_001165945.2).
Identifiers: ClinVar variation 2067802 (VCV002067802.28), dbSNP rs549158736, ClinGen allele CA623971.